The following is an entry in ClinVar:

ClinVar aggregate classification (germline): Uncertain significance (1 of 4 stars; one submission).

gnomAD v4.1: 1 of 1,613,896 alleles (0.000062%); highest among the groups gnomAD compares: Non-Finnish European, 0.000085%; no homozygotes.

Submission:

Labcorp Genetics (formerly Invitae), Labcorp
Classification: Uncertain significance. Last evaluated: 2021-12-29. Review status: criteria provided, single submitter. Criteria: Invitae Variant Classification Sherloc (09022015). Collection method: clinical testing. Allele origin: germline.
Comment: This variant is not present in population databases (gnomAD no frequency). This variant has not been reported in the literature in individuals affected with ADGRV1-related conditions. Algorithms developed to predict the effect of missense changes on protein structure and function are either unavailable or do not agree on the potential impact of this missense change (SIFT: "Deleterious"; PolyPhen-2: "Possibly Damaging"; Align-GVGD: "Class C0"). In summary, the available evidence is currently insufficient to determine the role of this variant in disease. Therefore, it has been classified as a Variant of Uncertain Significance. This sequence change replaces aspartic acid, which is acidic and polar, with asparagine, which is neutral and polar, at codon 321 of the ADGRV1 protein (p.Asp321Asn).

NM_032119.4(ADGRV1):c.961G>A (p.Asp321Asn)

Gene: ADGRV1 (adhesion G protein-coupled receptor V1; plus strand). Cytogenetic location: 5q14.3.
Variant type: single nucleotide variant.
Coding change: c.961G>A on transcript NM_032119.4 (MANE Select); coding-DNA position 961, G replaced by A.
Protein change: p.Asp321Asn; replaces aspartic acid 321 with asparagine.
Molecular consequence: missense variant. On other transcripts: non-coding transcript variant (1).
Genome position (GRCh38, 1-based): chr5:90,627,499, G>A. VCF-style: chr5-90627499-G-A. GRCh37 (hg19) VCF-style: chr5-89923316-G-A.
Other names: short protein forms D321N.
Identifiers: ClinVar variation 1927744 (VCV001927744.5), dbSNP rs779442763, ClinGen allele CA360367091.